The following is an entry in ClinVar:

ClinVar aggregate classification (germline): Uncertain significance (1 of 4 stars; one submission).

Conditions:
Early-infantile DEE. Also called: Ohtahara syndrome; Early infantile epileptic encephalopathy; Early infantile epileptic encephalopathy with suppression bursts. Identifiers: Orphanet 1934, MedGen C0393706, MONDO:0800491.

Submission:

Labcorp Genetics (formerly Invitae), Labcorp
Classification: Uncertain significance for Early-infantile DEE. Last evaluated: 2022-03-23. Review status: criteria provided, single submitter. Criteria: Invitae Variant Classification Sherloc (09022015). Collection method: clinical testing. Allele origin: germline.
Comment: In summary, the available evidence is currently insufficient to determine the role of this variant in disease. Therefore, it has been classified as a Variant of Uncertain Significance. Algorithms developed to predict the effect of missense changes on protein structure and function are either unavailable or do not agree on the potential impact of this missense change (SIFT: "Deleterious"; PolyPhen-2: "Possibly Damaging"; Align-GVGD: "Class C0"). ClinVar contains an entry for this variant (Variation ID: 573326). This variant has not been reported in the literature in individuals affected with ARHGEF15-related conditions. This variant is not present in population databases (gnomAD no frequency). This sequence change replaces glutamine, which is neutral and polar, with glutamic acid, which is acidic and polar, at codon 573 of the ARHGEF15 protein (p.Gln573Glu).

NM_173728.4(ARHGEF15):c.1717C>G (p.Gln573Glu)

Gene: ARHGEF15 (Rho guanine nucleotide exchange factor 15; plus strand). Cytogenetic location: 17p13.1.
Variant type: single nucleotide variant.
Coding change: c.1717C>G on transcript NM_173728.4 (MANE Select); coding-DNA position 1717, C replaced by G.
Protein change: p.Gln573Glu; replaces glutamine 573 with glutamic acid.
Molecular consequence: missense variant.
Genome position (GRCh38, 1-based): chr17:8,318,399, C>G. VCF-style: chr17-8318399-C-G. GRCh37 (hg19) VCF-style: chr17-8221717-C-G.
Other names: c.1717C>G, p.Gln573Glu (NM_025014.2); short protein forms Q573E.
Identifiers: ClinVar variation 573326 (VCV000573326.9), dbSNP rs1567678599, ClinGen allele CA398022614.
Genomic context (GRCh38, chr17:8,318,399, plus strand): 5'-CAGGGCCACAGAGCAGGGGGCCCAGTCACCCTTCCTCCTTGTCCCCAGAATATCCTGCGC[C>G]AGACAGAAGAGGGGTCCAGCCGTCAGGAGAATGCCCAGAAGGCCCTGGGTGCTGTCAGCA-3'
Protein context (NP_776089.2, residues 563-583): LRMLLQNILR[Gln573Glu]TEEGSSRQEN